The following is an entry in ClinVar:

ClinVar aggregate classification (germline): Uncertain significance. Review status: criteria provided, multiple submitters, no conflicts (2 of 4 stars). 2 submissions from 2 submitters: Uncertain significance (2). Last evaluated 2024-09-13.

Allele frequency attached by ClinVar (database versions not stated): gnomAD exomes 0.00002; ExAC 0.00005; TOPMed 0.00012; gnomAD 0.00013; 1000 Genomes Project 0.00020; 1000 Genomes Project 30x 0.00031; ESP Exome Variant Server 0.00031.
gnomAD v4.1: 52 of 1,614,158 alleles (0.0032%); highest among the groups gnomAD compares: African/African-American, 0.047%; no homozygotes.

Submissions (2):

Mayo Clinic Laboratories, Mayo Clinic
Classification: Uncertain significance. Last evaluated: 2024-09-13. Review status: criteria provided, single submitter. Criteria: ACMG Guidelines, 2015. Collection method: clinical testing. Allele origin: germline. Observed: 1 variant allele.
Comment: BP4, PM2

Labcorp Genetics (formerly Invitae), Labcorp
Classification: Uncertain significance. Last evaluated: 2022-06-14. Review status: criteria provided, single submitter. Criteria: Invitae Variant Classification Sherloc (09022015). Collection method: clinical testing. Allele origin: germline.
Comment: This sequence change replaces arginine, which is basic and polar, with histidine, which is basic and polar, at codon 2506 of the VPS13D protein (p.Arg2506His). This variant is present in population databases (rs137928452, gnomAD 0.05%). This variant has not been reported in the literature in individuals affected with VPS13D-related conditions. Algorithms developed to predict the effect of missense changes on protein structure and function (SIFT, PolyPhen-2, Align-GVGD) all suggest that this variant is likely to be tolerated. In summary, the available evidence is currently insufficient to determine the role of this variant in disease. Therefore, it has been classified as a Variant of Uncertain Significance.

NM_015378.4(VPS13D):c.7517G>A (p.Arg2506His)

Gene: VPS13D (vacuolar protein sorting 13 homolog D; plus strand). Cytogenetic location: 1p36.22.
Variant type: single nucleotide variant.
Coding change: c.7517G>A on transcript NM_015378.4 (MANE Select); coding-DNA position 7517, G replaced by A.
Protein change: p.Arg2506His; replaces arginine 2506 with histidine.
Molecular consequence: missense variant.
Genome position (GRCh38, 1-based): chr1:12,319,599, G>A. VCF-style: chr1-12319599-G-A. GRCh37 (hg19) VCF-style: chr1-12379656-G-A.
Other names: p.Arg2506His; c.7517G>A, p.Arg2506His (NM_018156.4); short protein forms R2506H.
Identifiers: ClinVar variation 1895866 (VCV001895866.5), dbSNP rs137928452, ClinGen allele CA602855.